The following is an entry in ClinVar:

NM_004380.3(CREBBP):c.6701C>G (p.Pro2234Arg)

Gene: CREBBP (CREB binding lysine acetyltransferase; minus strand). Cytogenetic location: 16p13.3.
Variant type: single nucleotide variant.
Coding change: c.6701C>G on transcript NM_004380.3 (MANE Select); coding-DNA position 6701, C replaced by G.
Protein change: p.Pro2234Arg; replaces proline 2234 with arginine.
Molecular consequence: missense variant.
Genome position (GRCh38, 1-based): chr16:3,728,346, G>C on the plus strand (C>G on the coding strand, the complement: CREBBP is on the minus strand). VCF-style: chr16-3728346-G-C. GRCh37 (hg19) VCF-style: chr16-3778347-G-C.
Other names: c.6587C>G, p.Pro2196Arg (NM_001079846.1); short protein forms P2196R, P2234R.
Identifiers: ClinVar variation 3069027 (VCV003069027.3), dbSNP rs2051805195, ClinGen allele CA394552122.

ClinVar aggregate classification (germline): Uncertain significance. Review status: criteria provided, multiple submitters, no conflicts (2 of 4 stars). 2 submissions from 2 submitters: Uncertain significance (2). Last evaluated 2024-02-15.

Submissions (2):

Women's Health and Genetics/Laboratory Corporation of America, LabCorp
Classification: Uncertain significance. Last evaluated: 2024-02-15. Review status: criteria provided, single submitter. Criteria: LabCorp Variant Classification Summary - May 2015. Collection method: clinical testing. Allele origin: germline.
Comment: Variant summary: CREBBP c.6701C>G (p.Pro2234Arg) results in a non-conservative amino acid change in the encoded protein sequence. Five of five in-silico tools predict a damaging effect of the variant on protein function. The variant was absent in 239016 control chromosomes. The available data on variant occurrences in the general population are insufficient to allow any conclusion about variant significance. To our knowledge, no occurrence of c.6701C>G in individuals affected with Rubinstein-Taybi Syndrome and no experimental evidence demonstrating its impact on protein function have been reported. No submitters have cited clinical-significance assessments for this variant to ClinVar. Based on the evidence outlined above, the variant was classified as uncertain significance.

Blueprint Genetics
Classification: Uncertain significance. Last evaluated: 2022-03-21. Review status: criteria provided, single submitter. Criteria: ACMG Guidelines, 2015. Collection method: clinical testing. Allele origin: germline.